The following is an entry in ClinVar:

NM_053025.4(MYLK):c.3005C>T (p.Thr1002Ile)

Gene: MYLK (myosin light chain kinase; minus strand). Cytogenetic location: 3q21.1.
Variant type: single nucleotide variant.
Coding change: c.3005C>T on transcript NM_053025.4 (MANE Select); coding-DNA position 3005, C replaced by T.
Protein change: p.Thr1002Ile; replaces threonine 1002 with isoleucine.
Molecular consequence: missense variant.
Genome position (GRCh38, 1-based): chr3:123,700,463, G>A on the plus strand (C>T on the coding strand, the complement: MYLK is on the minus strand). VCF-style: chr3-123700463-G-A. GRCh37 (hg19) VCF-style: chr3-123419310-G-A.
Other names: c.2477C>T, p.Thr826Ile (NM_001321309.2); c.2798C>T, p.Thr933Ile (NM_053026.4, NM_053028.4); c.3005C>T, p.Thr1002Ile (NM_053027.4); short protein forms T1002I, T826I, T933I.
Identifiers: ClinVar variation 3228906 (VCV003228906.1), dbSNP rs2474174981, ClinGen allele CA354230330.

ClinVar aggregate classification (germline): Uncertain significance (1 of 4 stars; one submission).

Conditions:
Familial thoracic aortic aneurysm and aortic dissection (TAAD). Also called: Thoracic aortic aneurysms and dissections. Identifiers: Orphanet 91387, MedGen C4707243, MONDO:0019625.

Submission:

Ambry Genetics
Classification: Uncertain significance for Familial thoracic aortic aneurysm and aortic dissection. Last evaluated: 2024-01-01. Review status: criteria provided, single submitter. Criteria: Ambry Variant Classification Scheme 2023. Collection method: clinical testing. Allele origin: germline.
Comment: The p.T1002I variant (also known as c.3005C>T), located in coding exon 15 of the MYLK gene, results from a C to T substitution at nucleotide position 3005. The threonine at codon 1002 is replaced by isoleucine, an amino acid with similar properties. This amino acid position is conserved. In addition, this alteration is predicted to be tolerated by in silico analysis. Since supporting evidence is limited at this time, the clinical significance of this alteration remains unclear.